The following is an entry in ClinVar:

NM_001291746.2(REL):c.1546G>A (p.Ala516Thr)

Gene: REL (REL proto-oncogene, NF-kB subunit; plus strand). Cytogenetic location: 2p16.1.
Variant type: single nucleotide variant.
Coding change: c.1546G>A on transcript NM_001291746.2 (MANE Select); coding-DNA position 1546, G replaced by A.
Protein change: p.Ala516Thr; replaces alanine 516 with threonine.
Molecular consequence: missense variant.
Genome position (GRCh38, 1-based): chr2:60,922,317, G>A. VCF-style: chr2-60922317-G-A. GRCh37 (hg19) VCF-style: chr2-61149452-G-A.
Other names: c.1642G>A, p.Ala548Thr (NM_002908.4); short protein forms A516T, A548T.
Identifiers: ClinVar variation 2780696 (VCV002780696.3), dbSNP rs1674165118, ClinGen allele CA347045629.
Genomic context (GRCh38, chr2:60,922,317, plus strand): 5'-TTAGACCCAAGAGACTTGAGACAGCTCCATCAGATGTCCTCTTCCAGTATGTCAGCAGGC[G>A]CCAATTCCAATACTACTGTTTTTGTTTCACAATCAGATGCATTTGAGGGATCTGACTTCA-3'
Protein context (NP_001278675.1, residues 506-526): QMSSSSMSAG[Ala516Thr]NSNTTVFVSQ

ClinVar aggregate classification (germline): Uncertain significance (1 of 4 stars; one submission).

Allele frequency attached by ClinVar (database versions not stated): gnomAD exomes below 0.00001; gnomAD 0.00001.
gnomAD v4.1: 6 of 1,613,954 alleles (0.00037%); highest among the groups gnomAD compares: African/African-American, 0.0027%; no homozygotes.

Submission:

Labcorp Genetics (formerly Invitae), Labcorp
Classification: Uncertain significance. Last evaluated: 2023-01-22. Review status: criteria provided, single submitter. Criteria: Invitae Variant Classification Sherloc (09022015). Collection method: clinical testing. Allele origin: germline.
Comment: This sequence change replaces alanine, which is neutral and non-polar, with threonine, which is neutral and polar, at codon 548 of the REL protein (p.Ala548Thr). This variant is not present in population databases (gnomAD no frequency). This variant has not been reported in the literature in individuals affected with REL-related conditions. Algorithms developed to predict the effect of missense changes on protein structure and function output the following: SIFT: "Tolerated"; PolyPhen-2: "Benign"; Align-GVGD: "Class C0". The threonine amino acid residue is found in multiple mammalian species, which suggests that this missense change does not adversely affect protein function. In summary, the available evidence is currently insufficient to determine the role of this variant in disease. Therefore, it has been classified as a Variant of Uncertain Significance.